The following is an entry in ClinVar:

ClinVar aggregate classification (germline): Uncertain significance (1 of 4 stars; one submission).

Conditions:
Hereditary breast ovarian cancer syndrome. Also called: Hereditary breast and ovarian cancer syndrome (HBOC); Hereditary breast and ovarian cancer; Breast and ovarian cancer; Hereditary breast and/or ovarian cancer syndrome; BRCA1- and BRCA2-Associated Hereditary Breast and Ovarian Cancer; Hereditary breast and ovarian cancer syndrome. Identifiers: Orphanet 145, MedGen C0677776, MeSH D061325, MONDO:0003582. Disease mechanism: loss of function.

Submission:

Labcorp Genetics (formerly Invitae), Labcorp
Classification: Uncertain significance for Hereditary breast ovarian cancer syndrome. Last evaluated: 2025-05-26. Review status: criteria provided, single submitter. Criteria: Invitae Variant Classification Sherloc (09022015). Collection method: clinical testing. Allele origin: germline.
Comment: This sequence change replaces glutamic acid, which is acidic and polar, with aspartic acid, which is acidic and polar, at codon 1004 of the BRCA1 protein (p.Glu1004Asp). This variant is not present in population databases (gnomAD no frequency). This variant has not been reported in the literature in individuals affected with BRCA1-related conditions. Invitae Evidence Modeling of protein sequence and biophysical properties (such as structural, functional, and spatial information, amino acid conservation, physicochemical variation, residue mobility, and thermodynamic stability) indicates that this missense variant is not expected to disrupt BRCA1 protein function with a negative predictive value of 80%. In summary, the available evidence is currently insufficient to determine the role of this variant in disease. Therefore, it has been classified as a Variant of Uncertain Significance.

NM_007294.4(BRCA1):c.3012G>T (p.Glu1004Asp)

Gene: BRCA1 (BRCA1 DNA repair associated; minus strand). Cytogenetic location: 17q21.31.
Variant type: single nucleotide variant.
Coding change: c.3012G>T on transcript NM_007294.4 (MANE Select); coding-DNA position 3012, G replaced by T.
Protein change: p.Glu1004Asp; replaces glutamic acid 1004 with aspartic acid.
Molecular consequence: missense variant. On other transcripts: intron variant (137).
Genome position (GRCh38, 1-based): chr17:43,092,519, C>A on the plus strand (G>T on the coding strand, the complement: BRCA1 is on the minus strand). VCF-style: chr17-43092519-C-A. GRCh37 (hg19) VCF-style: chr17-41244536-C-A.
Other names: c.788-1487G>T (NM_001407977.1, NM_001407982.1, NM_001407970.1 and 17 more transcripts); c.647-1487G>T (NM_001408467.1, NM_001408410.1, NM_001408459.1 and 11 more transcripts); c.578-1487G>T (NM_001408483.1, NM_001408481.1, NM_001408480.1 and 9 more transcripts); c.584-1487G>T (NM_001408475.1); c.710-1487G>T (NM_001408415.1, NM_001408412.1, NM_001408409.1 and 2 more transcripts); c.665-1487G>T (NM_001408442.1, NM_001408426.1, NM_001408444.1 and 12 more transcripts); c.452-1487G>T (NM_001408509.1, NM_001408508.1); c.575-1487G>T (NM_001408491.1, NM_001408493.1, NM_001408490.1); and 41 more; short protein forms E1001D, E1003D, E1004D, E708D, E836D, E876D, E877D, E892D.
Identifiers: ClinVar variation 4800841 (VCV004800841.1).
Genomic context (GRCh38, chr17:43,092,519, plus strand): 5'-GCTCACTGTACTTGGAATGTTCTCATTTCCCATTTCTCTTTCAGGTGACATTGAATGTTC[C>A]TCAAAGTTTTCCTCTAGCAGATTTTTCTTACATTTAGTTTTAACAAATGACTTGATGGGA-3'
Protein context (NP_009225.1, residues 994-1014): CKKNLLEENF[Glu1004Asp]EHSMSPEREM